The following is an entry in ClinVar:

ClinVar aggregate classification (germline): Uncertain significance (1 of 4 stars; one submission).

Submission:

GeneDx
Classification: Uncertain significance. Last evaluated: 2019-10-19. Review status: criteria provided, single submitter. Criteria: GeneDx Variant Classification Process June 2021. Collection method: clinical testing. Allele origin: germline. Affected: yes.
Comment: Not observed in large population cohorts (Lek et al., 2016); In silico analysis, which includes protein predictors and evolutionary conservation, supports a deleterious effect; Has not been previously published as pathogenic or benign to our knowledge

NM_138615.3(DHX30):c.2140_2141delinsGC (p.Lys714Ala)

Gene: DHX30 (DExH-box helicase 30; plus strand). Cytogenetic location: 3p21.31.
Variant type: Indel.
Coding change: c.2140_2141delinsGC on transcript NM_138615.3 (MANE Select); coding-DNA positions 2140 to 2141, AA replaced by GC.
Protein change: p.Lys714Ala; replaces lysine 714 with alanine.
Molecular consequence: missense variant.
Genome position (GRCh38, 1-based): chr3:47,847,810-47,847,811, AA replaced by GC. VCF-style: chr3-47847810-AA-GC. GRCh37 (hg19) VCF-style: chr3-47889300-AA-GC.
Other names: c.2056_2057delinsGC, p.Lys686Ala (NM_001330990.2); c.2023_2024delinsGC, p.Lys675Ala (NM_014966.4); short protein forms K675A, K686A, K714A.
Identifiers: ClinVar variation 1303715 (VCV001303715.2), dbSNP rs2107141217, ClinGen allele CA2573052182.